The following is an entry in ClinVar:

NM_004958.4(MTOR):c.1468G>C (p.Ala490Pro)

Gene: MTOR (mechanistic target of rapamycin kinase; minus strand). Cytogenetic location: 1p36.22.
Variant type: single nucleotide variant.
Coding change: c.1468G>C on transcript NM_004958.4 (MANE Select); coding-DNA position 1468, G replaced by C.
Protein change: p.Ala490Pro; replaces alanine 490 with proline.
Molecular consequence: missense variant.
Genome position (GRCh38, 1-based): chr1:11,241,626, C>G on the plus strand (G>C on the coding strand, the complement: MTOR is on the minus strand). VCF-style: chr1-11241626-C-G. GRCh37 (hg19) VCF-style: chr1-11301683-C-G.
Other names: c.1468G>C, p.Ala490Pro (NM_001386500.1); c.220G>C, p.Ala74Pro (NM_001386501.1); short protein forms A490P, A74P.
Identifiers: ClinVar variation 3372068 (VCV003372068.1).

ClinVar aggregate classification (germline): Uncertain significance (1 of 4 stars; one submission).

Submission:

GeneDx
Classification: Uncertain significance. Last evaluated: 2024-04-16. Review status: criteria provided, single submitter. Criteria: GeneDx Variant Classification Process June 2021. Collection method: clinical testing. Allele origin: germline. Affected: yes.
Comment: Not observed at significant frequency in large population cohorts (gnomAD); In silico analysis supports that this missense variant has a deleterious effect on protein structure/function; Has not been previously published as pathogenic or benign to our knowledge